The following is an entry in ClinVar:

ClinVar aggregate classification (germline): Uncertain significance (1 of 4 stars; one submission).

Conditions:
Early-infantile DEE. Also called: Ohtahara syndrome; Early infantile epileptic encephalopathy with suppression bursts; Early infantile epileptic encephalopathy. Identifiers: Orphanet 1934, MedGen C0393706, MONDO:0800491.

Submission:

Labcorp Genetics (formerly Invitae), Labcorp
Classification: Uncertain significance for Early-infantile DEE. Last evaluated: 2022-04-15. Review status: criteria provided, single submitter. Criteria: Invitae Variant Classification Sherloc (09022015). Collection method: clinical testing. Allele origin: germline.
Comment: This sequence change creates a premature translational stop signal (p.Gly80Alafs*68) in the HCN1 gene. It is expected to result in an absent or disrupted protein product. However, the current clinical and genetic evidence is not sufficient to establish whether loss-of-function variants in HCN1 cause disease. In summary, the available evidence is currently insufficient to determine the role of this variant in disease. Therefore, it has been classified as a Variant of Uncertain Significance. This premature translational stop signal has been observed in at least one individual who was not affected with HCN1-related conditions (Invitae). This variant has not been reported in the literature in individuals affected with HCN1-related conditions. This variant is not present in population databases (gnomAD no frequency).

NM_021072.4(HCN1):c.239del (p.Gly80fs)

Gene: HCN1 (hyperpolarization activated cyclic nucleotide gated potassium channel 1; minus strand). Cytogenetic location: 5p12.
Variant type: Deletion.
Coding change: c.239del on transcript NM_021072.4 (MANE Select); coding-DNA position 239, one base deleted (G; older notation c.239delG).
Protein change: p.Gly80fs; shifts the reading frame from glycine 80.
Molecular consequence: frameshift variant.
Genome position (GRCh38, 1-based): chr5:45,695,855, C deleted on the plus strand (G on the coding strand, the reverse complement: HCN1 is on the minus strand); the first of 6 consecutive C bases (chr5:45,695,855-45,695,860); deleting any one gives the same sequence. VCF-style (leftmost placement, unchanged base first): chr5-45695854-GC-G. GRCh37 (hg19) VCF-style: chr5-45695956-GC-G.
Other names: short protein forms G80fs.
Identifiers: ClinVar variation 2090192 (VCV002090192.4), dbSNP rs2478644111, ClinGen allele CA2578305157.